The following is an entry in ClinVar:

ClinVar aggregate classification (germline): Uncertain significance. Review status: criteria provided, multiple submitters, no conflicts (2 of 4 stars). 3 submissions from 3 submitters: Uncertain significance (3). Last evaluated 2024-05-28.

Conditions:
Hereditary sensory and autonomic neuropathy type 6. Also called: Neuropathy, hereditary sensory and autonomic, type VI; HSAN VI. Identifiers: Orphanet 314381, MedGen C3539003, MONDO:0013839, OMIM 614653.
Epidermolysis bullosa simplex 3, localized or generalized intermediate, with BP230 deficiency (EBS3). Also called: Epidermolysis bullosa simplex due to BP230 deficiency; Epidermolysis bullosa simplex, autosomal recessive 2. Identifiers: Orphanet 412181, MedGen C3809470, MONDO:0014180, OMIM 615425.
Inborn genetic diseases. Identifiers: MedGen C0950123, MeSH D030342.

Allele frequency attached by ClinVar (database versions not stated): gnomAD exomes 0.00001 and 0.00004; ExAC 0.00002; gnomAD 0.00004; TOPMed 0.00004; ESP Exome Variant Server 0.00015.
gnomAD v4.1: 56 of 1,611,006 alleles (0.0035%); highest among the groups gnomAD compares: Non-Finnish European, 0.0046%; no homozygotes.

Submissions (3):

Mayo Clinic Laboratories, Mayo Clinic
Classification: Uncertain significance. Last evaluated: 2024-05-28. Review status: criteria provided, single submitter. Criteria: ACMG Guidelines, 2015. Collection method: clinical testing. Allele origin: germline. Observed: 1 variant allele.
Comment: PM2_moderate

Labcorp Genetics (formerly Invitae), Labcorp
Classification: Uncertain significance for Epidermolysis bullosa simplex 3, localized or generalized intermediate, with BP230 deficiency; Hereditary sensory and autonomic neuropathy type 6. Last evaluated: 2022-08-23. Review status: criteria provided, single submitter. Criteria: Invitae Variant Classification Sherloc (09022015). Collection method: clinical testing. Allele origin: germline.
Comment: This sequence change replaces leucine, which is neutral and non-polar, with phenylalanine, which is neutral and non-polar, at codon 85 of the DST protein (p.Leu85Phe). This variant is present in population databases (rs374009818, gnomAD 0.007%). This variant has not been reported in the literature in individuals affected with DST-related conditions. ClinVar contains an entry for this variant (Variation ID: 1397971). Algorithms developed to predict the effect of missense changes on protein structure and function are either unavailable or do not agree on the potential impact of this missense change (SIFT: "Deleterious"; PolyPhen-2: "Probably Damaging"; Align-GVGD: "Class C15"). In summary, the available evidence is currently insufficient to determine the role of this variant in disease. Therefore, it has been classified as a Variant of Uncertain Significance.

Ambry Genetics
Classification: Uncertain significance for Inborn genetic diseases. Last evaluated: 2021-04-26. Review status: criteria provided, single submitter. Criteria: Ambry Variant Classification Scheme 2023. Collection method: clinical testing. Allele origin: germline.
Comment: The p.L589F variant (also known as c.1765C>T), located in coding exon 15 of the DST gene, results from a C to T substitution at nucleotide position 1765. The leucine at codon 589 is replaced by phenylalanine, an amino acid with highly similar properties. This amino acid position is highly conserved in available vertebrate species. In addition, this alteration is predicted to be deleterious by in silico analysis. Since supporting evidence is limited at this time, the clinical significance of this alteration remains unclear.

NM_001374736.1(DST):c.1864C>T (p.Leu622Phe)

Gene: DST (dystonin; minus strand). Cytogenetic location: 6p12.1.
Variant type: single nucleotide variant.
Coding change: c.1864C>T on transcript NM_001374736.1 (MANE Select); coding-DNA position 1864, C replaced by T.
Protein change: p.Leu622Phe; replaces leucine 622 with phenylalanine.
Molecular consequence: missense variant.
Genome position (GRCh38, 1-based): chr6:56,642,418, G>A on the plus strand (C>T on the coding strand, the complement: DST is on the minus strand). VCF-style: chr6-56642418-G-A. GRCh37 (hg19) VCF-style: chr6-56507216-G-A.
Other names: p.Leu85Phe; c.1765C>T, p.Leu589Phe (NM_001144769.5); c.1351C>T, p.Leu451Phe (NM_001144770.2); c.1864C>T, p.Leu622Phe (NM_001374722.1); c.1231C>T, p.Leu411Phe (NM_001374729.1, NM_001374730.1, NM_001386100.1 and 1 more transcripts); c.1891C>T, p.Leu631Phe (NM_001374734.1); c.253C>T, p.Leu85Phe (NM_001723.7, NM_015548.5); short protein forms L589F, L411F, L622F, L451F, L631F, L85F.
Identifiers: ClinVar variation 1397971 (VCV001397971.8), dbSNP rs374009818, ClinGen allele CA3871551.